The following is an entry in ClinVar:

ClinVar aggregate classification (germline): Uncertain significance (1 of 4 stars; one submission).

Submission:

Labcorp Genetics (formerly Invitae), Labcorp
Classification: Uncertain significance. Last evaluated: 2024-01-31. Review status: criteria provided, single submitter. Criteria: Invitae Variant Classification Sherloc (09022015). Collection method: clinical testing. Allele origin: germline.
Comment: This variant, c.1812_1814del, is a complex sequence change that results in the deletion of 2 and insertion of 1 amino acid(s) in the CEP97 protein (p.Ile604_Arg605delinsMet). This variant is present in population databases (rs767556850, gnomAD 0.002%). This variant has not been reported in the literature in individuals affected with CEP97-related conditions. Experimental studies and prediction algorithms are not available or were not evaluated, and the functional significance of this variant is currently unknown. In summary, the available evidence is currently insufficient to determine the role of this variant in disease. Therefore, it has been classified as a Variant of Uncertain Significance.

NM_024548.4(CEP97):c.1812_1814del (p.Ile604_Arg605delinsMet)

Gene: CEP97 (centrosomal protein 97; plus strand). Cytogenetic location: 3q12.3.
Variant type: Deletion.
Coding change: c.1812_1814del on transcript NM_024548.4 (MANE Select); coding-DNA positions 1812 to 1814, 3 bases deleted (AAG; older notation c.1812_1814delAAG).
Protein change: p.Ile604_Arg605delinsMet.
Molecular consequence: inframe indel.
Genome position (GRCh38, 1-based): chr3:101,758,418-101,758,420, AAG deleted. VCF-style (leftmost placement, unchanged base first): chr3-101758417-TAAG-T. GRCh37 (hg19) VCF-style: chr3-101477261-TAAG-T.
Other names: c.1635_1637del, p.Ile545_Arg546delinsMet (NM_001303401.2); c.1710_1712del, p.Ile570_Arg571delinsMet (NM_001410784.1); c.1533_1535del, p.Ile511_Arg512delinsMet (NM_001410785.1).
Identifiers: ClinVar variation 3678507 (VCV003678507.2).